The following is an entry in ClinVar:

ClinVar aggregate classification (germline): Uncertain significance (1 of 4 stars; one submission).

Conditions:
Autosomal recessive limb-girdle muscular dystrophy type R18 (LGMDR18). Also called: Limb-girdle muscular dystrophy, type 2S; MUSCULAR DYSTROPHY, LIMB-GIRDLE, AUTOSOMAL RECESSIVE 18; Autosomal recessive limb-girdle muscular dystrophy type 2S. Identifiers: Orphanet 369840, MedGen C4517996, MONDO:0014144, OMIM 615356.

Allele frequency attached by ClinVar (database versions not stated): gnomAD exomes below 0.00001; TOPMed below 0.00001; gnomAD 0.00001.
gnomAD v4.1: 2 of 1,613,998 alleles (0.00012%); highest among the groups gnomAD compares: Admixed American, 0.0033%; no homozygotes.

Submission:

Labcorp Genetics (formerly Invitae), Labcorp
Classification: Uncertain significance for Autosomal recessive limb-girdle muscular dystrophy type R18. Last evaluated: 2022-07-12. Review status: criteria provided, single submitter. Criteria: Invitae Variant Classification Sherloc (09022015). Collection method: clinical testing. Allele origin: germline.
Comment: This sequence change replaces glycine, which is neutral and non-polar, with valine, which is neutral and non-polar, at codon 573 of the TRAPPC11 protein (p.Gly573Val). This variant is present in population databases (no rsID available, gnomAD 0.006%). This variant has not been reported in the literature in individuals affected with TRAPPC11-related conditions. Algorithms developed to predict the effect of missense changes on protein structure and function are either unavailable or do not agree on the potential impact of this missense change (SIFT: "Tolerated"; PolyPhen-2: "Probably Damaging"; Align-GVGD: "Class C0"). In summary, the available evidence is currently insufficient to determine the role of this variant in disease. Therefore, it has been classified as a Variant of Uncertain Significance.

NM_021942.6(TRAPPC11):c.1718G>T (p.Gly573Val)

Gene: TRAPPC11 (trafficking protein particle complex subunit 11; plus strand). Cytogenetic location: 4q35.1.
Variant type: single nucleotide variant.
Coding change: c.1718G>T on transcript NM_021942.6 (MANE Select); coding-DNA position 1718, G replaced by T.
Protein change: p.Gly573Val; replaces glycine 573 with valine.
Molecular consequence: missense variant.
Genome position (GRCh38, 1-based): chr4:183,685,359, G>T. VCF-style: chr4-183685359-G-T. GRCh37 (hg19) VCF-style: chr4-184606512-G-T.
Other names: c.1718G>T, p.Gly573Val (NM_199053.3); short protein forms G573V.
Identifiers: ClinVar variation 1908416 (VCV001908416.5), dbSNP rs1232844472, ClinGen allele CA358868432.